The following is an entry in ClinVar:

ClinVar aggregate classification (germline): Uncertain significance. Review status: criteria provided, multiple submitters, no conflicts (2 of 4 stars). 3 submissions from 3 submitters: Uncertain significance (3). Last evaluated 2024-04-11.

Allele frequency attached by ClinVar (database versions not stated): gnomAD 0.00001; ExAC 0.00004.
gnomAD v4.1: 3 of 1,428,380 alleles (0.00021%); no homozygotes.

Submissions (3):

Women's Health and Genetics/Laboratory Corporation of America, LabCorp
Classification: Uncertain significance. Last evaluated: 2024-04-11. Review status: criteria provided, single submitter. Criteria: LabCorp Variant Classification Summary - May 2015. Collection method: clinical testing. Allele origin: germline.
Comment: Variant summary: ADGRV1 c.202G>T (p.Val68Leu) results in a conservative amino acid change located in the Na-Ca exchanger/integrin-beta4 (IPR003644) of the encoded protein sequence. Three of five in-silico tools predict a damaging effect of the variant on protein function. The variant allele was found at a frequency of 1.9e-05 in 106640 control chromosomes (gnomAD). The available data on variant occurrences in the general population are insufficient to allow any conclusion about variant significance. c.202G>T has been reported in the literature in at-least one individual affected with Cone-rod dystrophy (example: Ganapathi_2022). This report does not provide unequivocal conclusions about association of the variant with ADGRV1-Related Disorders. To our knowledge, no experimental evidence demonstrating an impact on protein function has been reported. The following publication has been ascertained in the context of this evaluation (PMID: 35672425). ClinVar contains an entry for this variant (Variation ID: 1360186). Based on the evidence outlined above, the variant was classified as uncertain significance.

Blueprint Genetics
Classification: Uncertain significance. Last evaluated: 2024-02-09. Review status: criteria provided, single submitter. Criteria: ACMG Guidelines, 2015. Collection method: clinical testing. Allele origin: germline.

Labcorp Genetics (formerly Invitae), Labcorp
Classification: Uncertain significance. Last evaluated: 2021-08-24. Review status: criteria provided, single submitter. Criteria: Invitae Variant Classification Sherloc (09022015). Collection method: clinical testing. Allele origin: germline.
Comment: This sequence change replaces valine with leucine at codon 68 of the ADGRV1 protein (p.Val68Leu). The valine residue is highly conserved and there is a small physicochemical difference between valine and leucine. This variant is present in population databases (rs776231131, ExAC 0.008%). This variant has not been reported in the literature in individuals affected with ADGRV1-related conditions. Algorithms developed to predict the effect of missense changes on protein structure and function are either unavailable or do not agree on the potential impact of this missense change (SIFT: "Deleterious"; PolyPhen-2: "Benign"; Align-GVGD: "Class C0"). In summary, the available evidence is currently insufficient to determine the role of this variant in disease. Therefore, it has been classified as a Variant of Uncertain Significance.

Literature cited by the submitters: PubMed 35672425 (cited by Women's Health and Genetics/Laboratory Corporation of America, LabCorp).

NM_032119.4(ADGRV1):c.202G>T (p.Val68Leu)

Gene: ADGRV1 (adhesion G protein-coupled receptor V1; plus strand). Cytogenetic location: 5q14.3.
Variant type: single nucleotide variant.
Coding change: c.202G>T on transcript NM_032119.4 (MANE Select); coding-DNA position 202, G replaced by T.
Protein change: p.Val68Leu; replaces valine 68 with leucine.
Molecular consequence: missense variant. On other transcripts: non-coding transcript variant (1).
Genome position (GRCh38, 1-based): chr5:90,615,014, G>T. VCF-style: chr5-90615014-G-T. GRCh37 (hg19) VCF-style: chr5-89910831-G-T.
Other names: short protein forms V68L.
Identifiers: ClinVar variation 1360186 (VCV001360186.7), dbSNP rs776231131, ClinGen allele CA3338400.